The following is an entry in ClinVar:

NM_001136035.4(TRMT1):c.1101C>T (p.Ser367=)

Gene: TRMT1 (tRNA methyltransferase 1; minus strand). Cytogenetic location: 19p13.13.
Variant type: single nucleotide variant.
Coding change: c.1101C>T on transcript NM_001136035.4 (MANE Select); coding-DNA position 1101, C replaced by T.
Protein change: p.Ser367=; no amino-acid change (serine 367 retained).
Molecular consequence: synonymous variant. On other transcripts: intron variant (2).
Genome position (GRCh38, 1-based): chr19:13,109,920, G>A on the plus strand (C>T on the coding strand, the complement: TRMT1 is on the minus strand). VCF-style: chr19-13109920-G-A. GRCh37 (hg19) VCF-style: chr19-13220734-G-A.
Other names: c.993C>T, p.Ser331= (NM_001351761.2); c.318C>T, p.Ser106= (NM_001351762.2); c.1101C>T, p.Ser367= (NM_017722.5); c.1020-82C>T (NM_001351760.2, NM_001142554.3).
Identifiers: ClinVar variation 2649368 (VCV002649368.24), dbSNP rs142446751, ClinGen allele CA9237780.

ClinVar aggregate classification (germline): Likely benign (1 of 4 stars; one submission).

Allele frequency attached by ClinVar (database versions not stated): ESP Exome Variant Server 0.00008; 1000 Genomes Project 0.00020; 1000 Genomes Project 30x 0.00031; gnomAD 0.00041; TOPMed 0.00042; gnomAD exomes 0.00047; ExAC 0.00055.
gnomAD v4.1: 745 of 1,613,988 alleles (0.046%); highest among the groups gnomAD compares: South Asian, 0.16%; 2 homozygotes.

Submission:

CeGaT Center for Human Genetics Tuebingen
Classification: Likely benign. Last evaluated: 2022-08-01. Review status: criteria provided, single submitter. Criteria: CeGaT Center For Human Genetics Tuebingen Variant Classification Criteria Version 2. Collection method: clinical testing. Allele origin: germline. Affected: yes. Observed: 1 variant allele.
Comment: TRMT1: BP4, BP7